The following is an entry in ClinVar:

ClinVar aggregate classification (germline): Conflicting classifications of pathogenicity. Review status: criteria provided, conflicting classifications (1 of 4 stars). 4 submissions from 4 submitters: Likely pathogenic (1); Uncertain significance (2). 1 of the submissions does not count toward it. Last evaluated 2025-11-22.

Conditions:
Lowe syndrome (OCRL). Also called: PHOSPHATIDYLINOSITOL 4,5-BISPHOSPHATE 5-PHOSPHATASE DEFICIENCY; Oculocerebrorenal Syndrome; LOWE OCULOCEREBRORENAL SYNDROME. Identifiers: Orphanet 534, MedGen C0028860, MONDO:0010645, OMIM 309000.

Allele frequency attached by ClinVar (database versions not stated): gnomAD 0.00001; TOPMed 0.00001.
gnomAD v4.1: 4 of 1,207,887 alleles (0.00033%); highest among the groups gnomAD compares: Admixed American, 0.0022%; no homozygotes.

Submissions (4):

Labcorp Genetics (formerly Invitae), Labcorp
Classification: Uncertain significance for Lowe syndrome. Last evaluated: 2025-11-22. Review status: criteria provided, single submitter. Criteria: Invitae Variant Classification Sherloc (09022015). Collection method: clinical testing. Allele origin: germline.
Comment: This sequence change replaces arginine, which is basic and polar, with cysteine, which is neutral and slightly polar, at codon 337 of the OCRL protein (p.Arg337Cys). This variant is present in population databases (rs137853831, gnomAD 0.004%). This missense change has been observed in individual(s) with Lowe Syndrome (PMID: 21031565). ClinVar contains an entry for this variant (Variation ID: 68695). Invitae Evidence Modeling of protein sequence and biophysical properties (such as structural, functional, and spatial information, amino acid conservation, physicochemical variation, residue mobility, and thermodynamic stability) indicates that this missense variant is not expected to disrupt OCRL protein function with a negative predictive value of 80%. In summary, the available evidence is currently insufficient to determine the role of this variant in disease. Therefore, it has been classified as a Variant of Uncertain Significance.

Women's Health and Genetics/Laboratory Corporation of America, LabCorp
Classification: Uncertain significance. Last evaluated: 2023-12-15. Review status: criteria provided, single submitter. Criteria: LabCorp Variant Classification Summary - May 2015. Collection method: clinical testing. Allele origin: germline.
Comment: Variant summary: OCRL c.1009C>T (p.Arg337Cys) results in a non-conservative amino acid change located in the Inositol polyphosphate-related phosphatase (IPR000300) of the encoded protein sequence. Four of five in-silico tools predict a damaging effect of the variant on protein function. The variant allele was found at a frequency of 5.5e-06 in 183438 control chromosomes (gnomAD). The available data on variant occurrences in the general population are insufficient to allow any conclusion about variant significance. c.1009C>T has been reported in the literature in an individual affected with Lowe Disease (example: Hichri_2011). At least one publication reports experimental evidence evaluating an impact on protein function. The most pronounced variant effect results in 10%-<30% of normal activity (example: Hichri_2011). The following publication has been ascertained in the context of this evaluation (PMID: 21031565). One submitter has cited clinical-significance assessments for this variant to ClinVar after 2014 and has classified the variant as likely pathogenic. Based on the evidence outlined above, the variant was classified as VUS-possibly pathogenic.

Institute of Human Genetics, University of Leipzig Medical Center
Classification: Likely pathogenic for Lowe syndrome. Last evaluated: 2020-12-11. Review status: criteria provided, single submitter. Criteria: ACMG Guidelines, 2015. Collection method: clinical testing. Allele origin: maternal. Affected: yes.
Comment: This variant was identified as hemizygous.

UniProtKB/Swiss-Prot
No classification provided. Condition: Lowe syndrome. Review status: no classification provided. Collection method: not provided. Allele origin: germline. Not counted in ClinVar's aggregate classification.

Literature cited by the submitters: PubMed 21031565 (cited by Labcorp Genetics (formerly Invitae), Labcorp and Women's Health and Genetics/Laboratory Corporation of America, LabCorp).

NM_000276.4(OCRL):c.1009C>T (p.Arg337Cys)

Gene: OCRL (OCRL inositol polyphosphate-5-phosphatase; plus strand). Cytogenetic location: Xq26.1.
Variant type: single nucleotide variant.
Coding change: c.1009C>T on transcript NM_000276.4 (MANE Select); coding-DNA position 1009, C replaced by T.
Protein change: p.Arg337Cys; replaces arginine 337 with cysteine.
Molecular consequence: missense variant.
Genome position (GRCh38, 1-based): chrX:129,562,453, C>T. VCF-style: chrX-129562453-C-T. GRCh37 (hg19) VCF-style: chrX-128696430-C-T.
Other names: c.1012C>T, p.Arg338Cys (NM_001318784.2); c.1009C>T, p.Arg337Cys (NM_001587.4); short protein forms R337C, R338C.
Identifiers: ClinVar variation 68695 (VCV000068695.5), dbSNP rs137853831, ClinGen allele CA266138.